The following is an entry in ClinVar:

ClinVar aggregate classification (germline): Uncertain significance (1 of 4 stars; one submission).

Allele frequency attached by ClinVar (database versions not stated): gnomAD 0.00002; ESP Exome Variant Server 0.00008.
gnomAD v4.1: 8 of 1,611,678 alleles (0.0005%); highest among the groups gnomAD compares: Non-Finnish European, 0.00068%; no homozygotes.

Submission:

Labcorp Genetics (formerly Invitae), Labcorp
Classification: Uncertain significance. Last evaluated: 2022-09-27. Review status: criteria provided, single submitter. Criteria: Invitae Variant Classification Sherloc (09022015). Collection method: clinical testing. Allele origin: germline.
Comment: This sequence change replaces proline, which is neutral and non-polar, with alanine, which is neutral and non-polar, at codon 758 of the CRB2 protein (p.Pro758Ala). This variant is present in population databases (rs373065941, gnomAD 0.002%). This variant has not been reported in the literature in individuals affected with CRB2-related conditions. Advanced modeling of protein sequence and biophysical properties (such as structural, functional, and spatial information, amino acid conservation, physicochemical variation, residue mobility, and thermodynamic stability) performed at Invitae indicates that this missense variant is not expected to disrupt CRB2 protein function. In summary, the available evidence is currently insufficient to determine the role of this variant in disease. Therefore, it has been classified as a Variant of Uncertain Significance.

NM_173689.7(CRB2):c.2272C>G (p.Pro758Ala)

Gene: CRB2 (crumbs cell polarity complex component 2; plus strand). Cytogenetic location: 9q33.3.
Variant type: single nucleotide variant.
Coding change: c.2272C>G on transcript NM_173689.7 (MANE Select); coding-DNA position 2272, C replaced by G.
Protein change: p.Pro758Ala; replaces proline 758 with alanine.
Molecular consequence: missense variant. On other transcripts: non-coding transcript variant (1).
Genome position (GRCh38, 1-based): chr9:123,371,414, C>G. VCF-style: chr9-123371414-C-G. GRCh37 (hg19) VCF-style: chr9-126133693-C-G.
Other names: short protein forms P758A.
Identifiers: ClinVar variation 1989718 (VCV001989718.1), dbSNP rs373065941, ClinGen allele CA5232162.
Genomic context (GRCh38, chr9:123,371,414, plus strand): 5'-CTGCAGGACCTGGGGCAGCACGTGCACGTGGGTGGGAGGCTCCTTGCTGCCGACAGCCAG[C>G]CCTGGGGTGGGCCCTTCCGAGGCTGCCTCCAGGACCTGCGACTCGATGGCTGCCACCTCC-3'
Protein context (NP_775960.4, residues 748-768): GGRLLAADSQ[Pro758Ala]WGGPFRGCLQ